The following is an entry in ClinVar:

ClinVar aggregate classification (germline): Conflicting classifications of pathogenicity. Review status: criteria provided, conflicting classifications (1 of 4 stars). 4 submissions from 4 submitters: Pathogenic (1); Likely pathogenic (1); Uncertain significance (1). 1 of the submissions does not count toward it. Last evaluated 2020-01-22.

Conditions:
Hyperlipoproteinemia, type I. Also called: Lipase D deficiency; Familial Lipoprotein Lipase Deficiency; Hyperlipoproteinemia type 1; Hyperchylomicro-nemia familial; Familial chylomicronemia; Hyperlipemia idiopathic Burger-Grutz type. Identifiers: Orphanet 309015, Orphanet 444490, MedGen C0023817, MONDO:0009387, OMIM 238600. Disease mechanism: loss of function.
Hypertriglyceridemia. Also called: Hypertriglyceridaemia. Identifiers: MedGen C0813230, MONDO:0005347, HP:0002155.

Allele frequency attached by ClinVar (database versions not stated): gnomAD 0.00001; gnomAD exomes below 0.00001.

Submissions (4):

Broad Center for Mendelian Genomics, Broad Institute of MIT and Harvard
Classification: Uncertain significance for Hypertriglyceridemia. Last evaluated: 2020-01-22. Review status: criteria provided, single submitter. Criteria: ACMG Guidelines, 2015. Collection method: curation. Allele origin: germline. Inheritance: Autosomal dominant inheritance.
Comment: The p.Gln262Ter variant in LPL has not previously been reported in individuals with hypertriglyceridemia, but has been identified in 0.003266% (1/30614) of South Asian chromosomes by the Genome Aggregation Database (gnomAD; dbSNP rs1297688787). This variant has also been reported in ClinVar (VariationID: 523886) as pathogenic by GeneDx. This nonsense variant leads to a premature termination codon at position 262, which is predicted to lead to a truncated or absent protein. Heterozygous loss of function of the LPL gene is an established disease mechanism in hypertriglyceridemia. In summary, while there is some suspicion for a pathogenic role, the clinical significance of this variant is uncertain. ACMG/AMP Criteria applied: PVS1 (Richards 2015).

GeneDx
Classification: Pathogenic. Last evaluated: 2018-04-27. Review status: criteria provided, single submitter. Criteria: GeneDx Variant Classification (06012015). Collection method: clinical testing. Allele origin: germline. Affected: yes.
Comment: The Q262X variant in the LPL gene has not been reported previously as a pathogenic variant nor as a benign variant, to our knowledge. This variant is predicted to cause loss of normal protein function either through protein truncation or nonsense-mediated mRNA decay. The Q262X variant is not observed in large population cohorts (Lek et al., 2016). We interpret Q262X as a pathogenic variant

CENTOGENE GmbH and LLC - Guiding Precision Medicine
Classification: Likely pathogenic for Lipoprotein lipase deficiency. Review status: criteria provided, single submitter. Criteria: ACMG Guidelines, 2015. Collection method: clinical testing. Allele origin: germline. Affected: yes.

Natera, Inc.
Classification: Pathogenic for Lipoprotein lipase deficiency. Last evaluated: 2020-11-18. Review status: no assertion criteria provided. Collection method: clinical testing. Allele origin: germline. Not counted in ClinVar's aggregate classification.

NM_000237.3(LPL):c.784C>T (p.Gln262Ter)

Gene: LPL (lipoprotein lipase; plus strand). Cytogenetic location: 8p21.3.
Variant type: single nucleotide variant.
Coding change: c.784C>T on transcript NM_000237.3 (MANE Select); coding-DNA position 784, C replaced by T.
Protein change: p.Gln262Ter; replaces glutamine 262 with a stop codon.
Molecular consequence: nonsense.
Genome position (GRCh38, 1-based): chr8:19,955,849, C>T. VCF-style: chr8-19955849-C-T. GRCh37 (hg19) VCF-style: chr8-19813360-C-T.
Other names: short protein forms Q262*.
Identifiers: ClinVar variation 523886 (VCV000523886.9), dbSNP rs1297688787, ClinGen allele CA370468946.
Genomic context (GRCh38, chr8:19,955,849, plus strand): 5'-CTCTTTGTGAATTTCTGCCGAGATACAATCTTGGTGTCTCTTTTTTACCCAGATGTGGAC[C>T]AGCTAGTGAAGTGCTCCCACGAGCGCTCCATTCATCTCTTCATCGACTCTCTGTTGAATG-3'